The following is an entry in ClinVar:

ClinVar aggregate classification (germline): Uncertain significance (1 of 4 stars; one submission).

Submission:

Greenwood Genetic Center Diagnostic Laboratories, Greenwood Genetic Center
Classification: Uncertain significance. Last evaluated: 2025-10-07. Review status: criteria provided, single submitter. Criteria: ACMG Guidelines, 2015. Collection method: clinical testing. Allele origin: germline. Affected: yes.
Comment: PM2, PP3

NM_000475.5(NR0B1):c.1091T>C (p.Phe364Ser)

Gene: NR0B1 (nuclear receptor subfamily 0 group B member 1; minus strand). Cytogenetic location: Xp21.2.
Variant type: single nucleotide variant.
Coding change: c.1091T>C on transcript NM_000475.5 (MANE Select); coding-DNA position 1091, T replaced by C.
Protein change: p.Phe364Ser; replaces phenylalanine 364 with serine.
Molecular consequence: missense variant.
Genome position (GRCh38, 1-based): chrX:30,308,273, A>G on the plus strand (T>C on the coding strand, the complement: NR0B1 is on the minus strand). VCF-style: chrX-30308273-A-G. GRCh37 (hg19) VCF-style: chrX-30326390-A-G.
Other names: short protein forms F364S.
Identifiers: ClinVar variation 4845498 (VCV004845498.1).